The following is an entry in ClinVar:

ClinVar aggregate classification (germline): Uncertain significance (0 of 4 stars; one submission).

Conditions:
NPHP4-related disorder. Also called: NPHP4-related condition; NPHP4-related disorders. Identifiers: MedGen CN239384.

gnomAD v4.1: 12 of 1,561,914 alleles (0.00077%); highest among the groups gnomAD compares: African/African-American, 0.0014%; no homozygotes.

Submission:

PreventionGenetics, part of Exact Sciences
Classification: Uncertain significance for NPHP4-related condition. Last evaluated: 2024-07-25. Review status: no assertion criteria provided. Collection method: clinical testing. Allele origin: germline.
Comment: The NPHP4 c.773A>G variant is predicted to result in the amino acid substitution p.Glu258Gly. To our knowledge, this variant has not been reported in the literature. This variant is reported in 0.0014% of alleles in individuals of European (Non-Finnish) descent in gnomAD. At this time, the clinical significance of this variant is uncertain due to the absence of conclusive functional and genetic evidence.

NM_015102.5(NPHP4):c.773A>G (p.Glu258Gly)

Gene: NPHP4 (nephrocystin 4; minus strand). Cytogenetic location: 1p36.31.
Variant type: single nucleotide variant.
Coding change: c.773A>G on transcript NM_015102.5 (MANE Select); coding-DNA position 773, A replaced by G.
Protein change: p.Glu258Gly; replaces glutamic acid 258 with glycine.
Molecular consequence: missense variant. On other transcripts: 5 prime UTR variant (1), non-coding transcript variant (1), intron variant (1).
Genome position (GRCh38, 1-based): chr1:5,952,737, T>C on the plus strand (A>G on the coding strand, the complement: NPHP4 is on the minus strand). VCF-style: chr1-5952737-T-C. GRCh37 (hg19) VCF-style: chr1-6012797-T-C.
Other names: c.-594A>G (NM_001291594.2); c.-556-4486A>G (NM_001291593.2); short protein forms E258G.
Identifiers: ClinVar variation 3355687 (VCV003355687.1).